The following is an entry in ClinVar:

ClinVar aggregate classification (germline): Conflicting classifications of pathogenicity. Review status: criteria provided, conflicting classifications (1 of 4 stars). 4 submissions from 4 submitters: Uncertain significance (3); Benign (1). Last evaluated 2025-12-01.

Conditions:
Neurofibromatosis, type 1 (NF1). Also called: VON RECKLINGHAUSEN DISEASE; NEUROFIBROMATOSIS, TYPE I, SOMATIC; Peripheral type neurofibromatosis; Neurofibromatosis, type I. Identifiers: Orphanet 636, MedGen C0027831, MONDO:0018975, OMIM 162200. Disease mechanism: loss of function.
Hereditary cancer-predisposing syndrome. Also called: Neoplastic Syndromes, Hereditary; Tumor predisposition; Hereditary Cancer Syndrome; Hereditary neoplastic syndrome. Identifiers: Orphanet 140162, MedGen C0027672, MeSH D009386, MONDO:0015356.
Cardiovascular phenotype. Identifiers: MedGen CN230736.

Allele frequency attached by ClinVar (database versions not stated): gnomAD exomes below 0.00001.
gnomAD v4.1: 4 of 1,613,750 alleles (0.00025%); highest among the groups gnomAD compares: Admixed American, 0.0033%; no homozygotes.

Submissions (4):

Ambry Genetics
Classification: Uncertain significance for Cardiovascular phenotype; Hereditary cancer-predisposing syndrome. Last evaluated: 2025-12-01. Review status: criteria provided, single submitter. Criteria: Ambry Variant Classification Scheme 2023. Collection method: clinical testing. Allele origin: germline.
Comment: The c.7395-3C>G intronic variant results from a C to G substitution 3 nucleotides upstream from coding exon 50 in the NF1 gene. This variant has been reported in one individual who was suspected of having a NF1 diagnosis but did not meet clinical criteria (Palma Milla C et al. Ann. Hum. Genet., 2018 11;82:425-436). This nucleotide position is well conserved in available vertebrate species. In silico splice site analysis predicts that this alteration may result in the creation or strengthening of a novel splice acceptor site; however, direct evidence is insufficient at this time (Ambry internal data). Since supporting evidence is limited at this time, the clinical significance of this alteration remains unclear.

Labcorp Genetics (formerly Invitae), Labcorp
Classification: Benign for Neurofibromatosis, type 1. Last evaluated: 2025-11-17. Review status: criteria provided, single submitter. Criteria: Invitae Variant Classification Sherloc (09022015). Collection method: clinical testing. Allele origin: germline.

Genome-Nilou Lab
Classification: Uncertain significance for Neurofibromatosis, type 1. Last evaluated: 2022-03-15. Review status: criteria provided, single submitter. Criteria: ACMG Guidelines, 2015. Collection method: clinical testing. Allele origin: germline. Affected: no.

GeneDx
Classification: Uncertain significance. Last evaluated: 2018-07-13. Review status: criteria provided, single submitter. Criteria: GeneDx Variant Classification (06012015). Collection method: clinical testing. Allele origin: germline. Affected: yes.
Comment: The c.7395-3C>G variant has not been reported previously as a pathogenic variant nor as a benign variant, to our knowledge. The c.7395-3C>G variant is not observed in large population cohorts (Lek et al., 2016). Several in silico splice prediction models predict that c.7395-3C>G damages or destroys the splice acceptor site in intron 49, and leads to abnormal gene splicing. However, in the absence of RNA/functional studies, the actual effect of this sequence change in this individual is unknown. Therefore, based on the currently available information, it is unclear whether this variant is a pathogenic variant or a rare benign variant.

Literature cited by the submitters: PubMed 30014477 (cited by Ambry Genetics).

NM_001042492.3(NF1):c.7458-3C>G

Gene: NF1 (neurofibromin 1; plus strand). Cytogenetic location: 17q11.2.
Variant type: single nucleotide variant.
Coding change: c.7458-3C>G on transcript NM_001042492.3 (MANE Select); 3 bases into the intron before coding-DNA position 7458, C replaced by G.
Molecular consequence: intron variant.
Genome position (GRCh38, 1-based): chr17:31,352,254, C>G. VCF-style: chr17-31352254-C-G. GRCh37 (hg19) VCF-style: chr17-29679272-C-G.
Other names: c.7395-3C>G (NM_000267.4).
Identifiers: ClinVar variation 561955 (VCV000561955.12), dbSNP rs1158267419, ClinGen allele CA625474697.